The following is an entry in ClinVar:

ClinVar aggregate classification (germline): Likely benign (0 of 4 stars; one submission).

Conditions:
DNMT3A-related disorder. Also called: DNMT3A-related disorders; DNMT3A-related condition.

Allele frequency attached by ClinVar (database versions not stated): gnomAD 0.00001; gnomAD exomes 0.00001; TOPMed 0.00001.
gnomAD v4.1: 18 of 1,613,078 alleles (0.0011%); highest among the groups gnomAD compares: Non-Finnish European, 0.0014%; no homozygotes.

Submission:

PreventionGenetics, part of Exact Sciences
Classification: Likely benign for DNMT3A-related condition. Last evaluated: 2023-06-16. Review status: no assertion criteria provided. Collection method: clinical testing. Allele origin: germline.
Comment: This variant is classified as likely benign based on ACMG/AMP sequence variant interpretation guidelines (Richards et al. 2015 PMID: 25741868, with internal and published modifications).

NM_022552.5(DNMT3A):c.1014+7T>C

Gene: DNMT3A (DNA methyltransferase 3 alpha; minus strand). Cytogenetic location: 2p23.3.
Variant type: single nucleotide variant.
Coding change: c.1014+7T>C on transcript NM_022552.5 (MANE Select); 7 bases into the intron after coding-DNA position 1014, T replaced by C.
Molecular consequence: intron variant.
Genome position (GRCh38, 1-based): chr2:25,247,584, A>G on the plus strand (T>C on the coding strand, the complement: DNMT3A is on the minus strand). VCF-style: chr2-25247584-A-G. GRCh37 (hg19) VCF-style: chr2-25470453-A-G.
Other names: c.1014+7T>C (NM_175629.2); c.447+7T>C (NM_153759.3); c.558+7T>C (NM_001320893.1); c.345+7T>C (NM_001375819.1).
Identifiers: ClinVar variation 3029243 (VCV003029243.2), dbSNP rs1364595707, ClinGen allele CA531369479.